The following is an entry in ClinVar:

NM_001148.6(ANK2):c.9665C>A (p.Thr3222Asn)

Gene: ANK2 (ankyrin 2; plus strand). Cytogenetic location: 4q26.
Variant type: single nucleotide variant.
Coding change: c.9665C>A on transcript NM_001148.6 (MANE Select); coding-DNA position 9665, C replaced by A.
Protein change: p.Thr3222Asn; replaces threonine 3222 with asparagine.
Molecular consequence: missense variant. On other transcripts: intron variant (68).
Genome position (GRCh38, 1-based): chr4:113,358,283, C>A. VCF-style: chr4-113358283-C-A. GRCh37 (hg19) VCF-style: chr4-114279439-C-A.
Other names: c.9431C>A, p.Thr3144Asn (NM_001386142.1); c.6065C>A, p.Thr2022Asn (NM_001386166.1); c.9806C>A, p.Thr3269Asn (NM_001386174.1); c.9782C>A, p.Thr3261Asn (NM_001386175.1); c.4412-2540C>A (NM_001386186.2, NM_001386148.2); c.4214-2540C>A (NM_001354269.3); c.4292-2540C>A (NM_001386187.2); c.4253-2540C>A (NM_001386147.1); and 36 more; short protein forms T2022N, T3144N, T3222N, T3261N, T3269N.
Identifiers: ClinVar variation 1010151 (VCV001010151.8), dbSNP rs2095939172, ClinGen allele CA357938476.

ClinVar aggregate classification (germline): Uncertain significance. Review status: criteria provided, multiple submitters, no conflicts (2 of 4 stars). 4 submissions from 4 submitters: Uncertain significance (4). Last evaluated 2025-02-26.

Conditions:
Long QT syndrome (LQTS). Identifiers: MedGen C0023976, MeSH D008133, MONDO:0002442. Disease mechanism: loss of function. Inheritance: Various modes of inheritance.
ANK2-related Autism.
Cardiovascular phenotype. Identifiers: MedGen CN230736.

Allele frequency attached by ClinVar (database versions not stated): gnomAD 0.00001; TOPMed 0.00002.
gnomAD v4.1: 2 of 1,613,474 alleles (0.00012%); highest among the groups gnomAD compares: Admixed American, 0.0017%; no homozygotes.

Submissions (4):

GeneDx
Classification: Uncertain significance. Last evaluated: 2025-02-26. Review status: criteria provided, single submitter. Criteria: GeneDx Variant Classification Process June 2021. Collection method: clinical testing. Allele origin: germline. Affected: yes.
Comment: Has not been previously published as pathogenic or benign to our knowledge; Not observed at significant frequency in large population cohorts (gnomAD); Located in exon 38, which is reported as being expressed in a brain-specific transcript (PMID: 1830053, 18790697, 26109584); In silico analysis indicates that this missense variant does not alter protein structure/function; This variant is associated with the following publications: (PMID: 1830053, 26109584, 18790697)

Labcorp Genetics (formerly Invitae), Labcorp
Classification: Uncertain significance for Long QT syndrome. Last evaluated: 2025-02-17. Review status: criteria provided, single submitter. Criteria: Invitae Variant Classification Sherloc (09022015). Collection method: clinical testing. Allele origin: germline.
Comment: This sequence change replaces threonine, which is neutral and polar, with asparagine, which is neutral and polar, at codon 3222 of the ANK2 protein (p.Thr3222Asn). This variant is not present in population databases (gnomAD no frequency). This variant has not been reported in the literature in individuals affected with ANK2-related conditions. ClinVar contains an entry for this variant (Variation ID: 1010151). An algorithm developed to predict the effect of missense changes on protein structure and function (PolyPhen-2) suggests that this variant is likely to be tolerated. In summary, the available evidence is currently insufficient to determine the role of this variant in disease. Therefore, it has been classified as a Variant of Uncertain Significance.

Ambry Genetics
Classification: Uncertain significance for Cardiovascular phenotype. Last evaluated: 2023-12-21. Review status: criteria provided, single submitter. Criteria: Ambry Variant Classification Scheme 2023. Collection method: clinical testing. Allele origin: germline.

New York Genome Center
Classification: Uncertain significance for ANK2-related Autism. Last evaluated: 2021-06-15. Review status: criteria provided, single submitter. Criteria: NYGC Assertion Criteria 2020. Collection method: clinical testing. Allele origin: germline. Observed: 1 heterozygote. Study: CSER-NYCKidSeq.